The following is an entry in ClinVar:

ClinVar aggregate classification (germline): Conflicting classifications of pathogenicity. Review status: criteria provided, conflicting classifications (1 of 4 stars). 2 submissions from 2 submitters: Uncertain significance (1); Benign (1). Last evaluated 2024-10-16.

Conditions:
Inborn genetic diseases. Identifiers: MedGen C0950123, MeSH D030342.
Intellectual developmental disorder, X-linked, syndromic 14. Also called: Syndromic X-linked intellectual disability 14. Identifiers: Orphanet 776, MedGen C1970822, MONDO:0010398, OMIM 300676.

Allele frequency attached by ClinVar (database versions not stated): gnomAD exomes 0.00002; ExAC 0.00003; gnomAD 0.00002; TOPMed 0.00003.
gnomAD v4.1: 10 of 1,209,735 alleles (0.00083%); highest among the groups gnomAD compares: Admixed American, 0.018%; no homozygotes.

Submissions (2):

Labcorp Genetics (formerly Invitae), Labcorp
Classification: Benign for Intellectual developmental disorder, X-linked, syndromic 14. Last evaluated: 2024-10-16. Review status: criteria provided, single submitter. Criteria: Invitae Variant Classification Sherloc (09022015). Collection method: clinical testing. Allele origin: germline.

Ambry Genetics
Classification: Uncertain significance for Inborn genetic diseases. Last evaluated: 2020-04-30. Review status: criteria provided, single submitter. Criteria: Ambry Variant Classification Scheme 2023. Collection method: clinical testing. Allele origin: germline.
Comment: The p.P334L variant (also known as c.1001C>T), located in coding exon 9 of the UPF3B gene, results from a C to T substitution at nucleotide position 1001. The proline at codon 334 is replaced by leucine, an amino acid with similar properties. This amino acid position is not well conserved in available vertebrate species. In addition, this alteration is predicted to be tolerated by in silico analysis. Since supporting evidence is limited at this time, the clinical significance of this alteration remains unclear.

NM_080632.3(UPF3B):c.1001C>T (p.Pro334Leu)

Gene: UPF3B (UPF3B regulator of nonsense mediated mRNA decay; minus strand). Cytogenetic location: Xq24.
Variant type: single nucleotide variant.
Coding change: c.1001C>T on transcript NM_080632.3 (MANE Select); coding-DNA position 1001, C replaced by T.
Protein change: p.Pro334Leu; replaces proline 334 with leucine.
Molecular consequence: missense variant.
Genome position (GRCh38, 1-based): chrX:119,838,373, G>A on the plus strand (C>T on the coding strand, the complement: UPF3B is on the minus strand). VCF-style: chrX-119838373-G-A. GRCh37 (hg19) VCF-style: chrX-118972336-G-A.
Other names: c.962C>T, p.Pro321Leu (NM_023010.4); short protein forms P321L, P334L.
Identifiers: ClinVar variation 1769242 (VCV001769242.4), dbSNP rs754650766, ClinGen allele CA10503225.